The following is an entry in ClinVar:

NM_001376.5(DYNC1H1):c.2972T>C (p.Met991Thr)

Gene: DYNC1H1 (dynein cytoplasmic 1 heavy chain 1; plus strand). Cytogenetic location: 14q32.31.
Variant type: single nucleotide variant.
Coding change: c.2972T>C on transcript NM_001376.5 (MANE Select); coding-DNA position 2972, T replaced by C.
Protein change: p.Met991Thr; replaces methionine 991 with threonine.
Molecular consequence: missense variant.
Genome position (GRCh38, 1-based): chr14:101,991,630, T>C. VCF-style: chr14-101991630-T-C. GRCh37 (hg19) VCF-style: chr14-102457967-T-C.
Other names: short protein forms M991T.
Identifiers: ClinVar variation 2442760 (VCV002442760.1), dbSNP rs1302136713, ClinGen allele CA391030615.
Genomic context (GRCh38, chr14:101,991,630, plus strand): 5'-TGAATCCACCAATTGAAGAGTGCAGATACAAGCTGTATCAGGAAATGTTTGCCTGGAAGA[T>C]GGTTGTACTGTCTCTCCCCAGGATCCAGAGTCAGAGGTACCAGGTAAGCCTTTGGTGACT-3'
Protein context (NP_001367.2, residues 981-1001): KLYQEMFAWK[Met991Thr]VVLSLPRIQS

ClinVar aggregate classification (germline): Uncertain significance (1 of 4 stars; one submission).

Allele frequency attached by ClinVar (database versions not stated): gnomAD exomes 0.00001.
gnomAD v4.1: 6 of 1,614,192 alleles (0.00037%); highest among the groups gnomAD compares: Non-Finnish European, 0.00051%; no homozygotes.

Submission:

GeneDx
Classification: Uncertain significance. Last evaluated: 2022-09-06. Review status: criteria provided, single submitter. Criteria: GeneDx Variant Classification Process June 2021. Collection method: clinical testing. Allele origin: germline. Affected: yes.
Comment: In silico analysis supports that this missense variant does not alter protein structure/function; Has not been previously published as pathogenic or benign to our knowledge; This variant is associated with the following publications: (PMID: 25512093, 26100331, 25609763)